The following is an entry in ClinVar:

NM_000051.4(ATM):c.8709T>C (p.Pro2903=)

Genes: ATM (ATM serine/threonine kinase; plus strand), C11orf65 (chromosome 11 open reading frame 65; minus strand). Cytogenetic location: 11q22.3.
Variant type: single nucleotide variant.
Coding change: c.8709T>C on transcript NM_000051.4 (MANE Select); coding-DNA position 8709, T replaced by C.
Protein change: p.Pro2903=; no amino-acid change (proline 2903 retained).
Molecular consequence: synonymous variant. On other transcripts: intron variant (2).
Genome position (GRCh38, 1-based): chr11:108,353,803, T>C. VCF-style: chr11-108353803-T-C. GRCh37 (hg19) VCF-style: chr11-108224530-T-C.
Other names: c.8709T>C, p.Pro2903= (NM_001351834.2); c.640+32117A>G (NM_001330368.2); c.695-18511A>G (NM_001351110.2).
Identifiers: ClinVar variation 822673 (VCV000822673.52), dbSNP rs773208089, ClinGen allele CA6266427.

ClinVar aggregate classification (germline): Benign/Likely benign. Review status: criteria provided, multiple submitters, no conflicts (2 of 4 stars). 3 submissions from 3 submitters: Benign (1); Likely benign (2). Last evaluated 2025-06-11.

Conditions:
Hereditary cancer-predisposing syndrome. Also called: Tumor predisposition; Neoplastic Syndromes, Hereditary; Hereditary Cancer Syndrome; Hereditary neoplastic syndrome. Identifiers: Orphanet 140162, MedGen C0027672, MeSH D009386, MONDO:0015356.
Familial cancer of breast. Also called: Hereditary breast cancer; BREAST CANCER, FAMILIAL; hereditary breast carcinoma. Identifiers: Orphanet 227535, MedGen C0346153, MONDO:0016419, OMIM 114480. Disease mechanism: loss of function.
Ataxia-telangiectasia syndrome (AT). Also called: ATAXIA-TELANGIECTASIA, COMPLEMENTATION GROUP A; ATAXIA-TELANGIECTASIA, FRESNO VARIANT; Ataxia-telangiectasia; Ataxia-telangiectasia, complementation group D; AT, COMPLEMENTATION GROUP C; Ataxia-telangiectasia, complementation group E. Identifiers: Orphanet 100, MedGen C0004135, MONDO:0008840, OMIM 208900.

Allele frequency attached by ClinVar (database versions not stated): gnomAD exomes 0.00001; ExAC 0.00001.
gnomAD v4.1: 3 of 1,614,154 alleles (0.00019%); highest among the groups gnomAD compares: South Asian, 0.0033%; no homozygotes.

Submissions (3):

Labcorp Genetics (formerly Invitae), Labcorp
Classification: Likely benign for Ataxia-telangiectasia syndrome. Last evaluated: 2025-06-11. Review status: criteria provided, single submitter. Criteria: Invitae Variant Classification Sherloc (09022015). Collection method: clinical testing. Allele origin: germline.

Myriad Genetics, Inc.
Classification: Benign for Familial cancer of breast. Last evaluated: 2024-06-20. Review status: criteria provided, single submitter. Criteria: Myriad Autosomal Dominant, Autosomal Recessive and X-Linked Classification Criteria (2023). Collection method: clinical testing. Allele origin: unknown.
Comment: This variant is considered benign. This variant is a silent/synonymous amino acid change and it is not expected to impact splicing.

Ambry Genetics
Classification: Likely benign for Hereditary cancer-predisposing syndrome. Last evaluated: 2019-08-06. Review status: criteria provided, single submitter. Criteria: Ambry Variant Classification Scheme 2023. Collection method: clinical testing. Allele origin: germline.